The following is an entry in ClinVar:

ClinVar aggregate classification (germline): Uncertain significance (1 of 4 stars; one submission).

gnomAD v4.1: 6 of 1,604,946 alleles (0.00037%); highest among the groups gnomAD compares: Non-Finnish European, 0.00042%; no homozygotes.

Submission:

Labcorp Genetics (formerly Invitae), Labcorp
Classification: Uncertain significance. Last evaluated: 2026-01-27. Review status: criteria provided, single submitter. Criteria: Invitae Variant Classification Sherloc (09022015). Collection method: clinical testing. Allele origin: germline.
Comment: This sequence change replaces valine, which is neutral and non-polar, with glycine, which is neutral and non-polar, at codon 140 of the SUCLG2 protein (p.Val140Gly). This variant is not present in population databases (gnomAD no frequency). This variant has not been reported in the literature in individuals affected with SUCLG2-related conditions. An algorithm developed to predict the effect of missense changes on protein structure and function (PolyPhen-2) suggests that this variant is likely to be disruptive. Algorithms developed to predict the effect of sequence changes on RNA splicing suggest that this variant may disrupt the consensus splice site. In summary, the available evidence is currently insufficient to determine the role of this variant in disease. Therefore, it has been classified as a Variant of Uncertain Significance.

NM_003848.4(SUCLG2):c.419T>G (p.Val140Gly)

Gene: SUCLG2 (succinate-CoA ligase GDP-forming subunit beta; minus strand). Cytogenetic location: 3p14.1.
Variant type: single nucleotide variant.
Coding change: c.419T>G on transcript NM_003848.4 (MANE Select); coding-DNA position 419, T replaced by G.
Protein change: p.Val140Gly; replaces valine 140 with glycine.
Molecular consequence: missense variant.
Genome position (GRCh38, 1-based): chr3:67,520,633, A>C on the plus strand (T>G on the coding strand, the complement: SUCLG2 is on the minus strand). VCF-style: chr3-67520633-A-C. GRCh37 (hg19) VCF-style: chr3-67571057-A-C.
Other names: c.419T>G, p.Val140Gly (NM_001177599.2); short protein forms V140G.
Identifiers: ClinVar variation 4709379 (VCV004709379.1).